The following is an entry in ClinVar:

ClinVar aggregate classification (germline): Benign/Likely benign. Review status: criteria provided, multiple submitters, no conflicts (2 of 4 stars). 3 submissions from 3 submitters: Benign (2); Likely benign (1). Last evaluated 2025-05-01.

Allele frequency attached by ClinVar (database versions not stated): 1000 Genomes Project 30x 0.00234; 1000 Genomes Project 0.00260; gnomAD 0.00487; TOPMed 0.00510; ESP Exome Variant Server 0.00555; gnomAD exomes 0.00607 and 0.00795; ExAC 0.00987.
gnomAD v4.1: 12,129 of 1,595,368 alleles (0.76%); highest among the groups gnomAD compares: Non-Finnish European, 0.9%; 74 homozygotes.

Submissions (3):

CeGaT Center for Human Genetics Tuebingen
Classification: Likely benign. Last evaluated: 2025-05-01. Review status: criteria provided, single submitter. Criteria: CeGaT Center For Human Genetics Tuebingen Variant Classification Criteria Version 2. Collection method: clinical testing. Allele origin: germline. Affected: yes. Observed: 3 variant alleles.
Comment: AXIN1: BP4, BS2

Labcorp Genetics (formerly Invitae), Labcorp
Classification: Benign. Last evaluated: 2019-12-31. Review status: criteria provided, single submitter. Criteria: Invitae Variant Classification Sherloc (09022015). Collection method: clinical testing. Allele origin: germline.

Breakthrough Genomics
Classification: Benign. Review status: criteria provided, single submitter. Criteria: ACMG Guidelines, 2015. Collection method: not provided. Allele origin: germline. Inheritance: Other. Affected: yes.

NM_003502.4(AXIN1):c.1485C>G (p.Asp495Glu)

Gene: AXIN1 (axin 1; minus strand). Cytogenetic location: 16p13.3.
Variant type: single nucleotide variant.
Coding change: c.1485C>G on transcript NM_003502.4 (MANE Select); coding-DNA position 1485, C replaced by G.
Protein change: p.Asp495Glu; replaces aspartic acid 495 with glutamic acid.
Molecular consequence: missense variant. On other transcripts: non-coding transcript variant (1).
Genome position (GRCh38, 1-based): chr16:298,021, G>C on the plus strand (C>G on the coding strand, the complement: AXIN1 is on the minus strand). VCF-style: chr16-298021-G-C. GRCh37 (hg19) VCF-style: chr16-348021-G-C.
Other names: c.1485C>G, p.Asp495Glu (NM_181050.3); short protein forms D495E.
Identifiers: ClinVar variation 715635 (VCV000715635.29), dbSNP rs146947903, ClinGen allele CA7774180.